The following is an entry in ClinVar:

ClinVar aggregate classification (germline): Likely benign. Review status: criteria provided, multiple submitters, no conflicts (2 of 4 stars). 3 submissions from 3 submitters: Likely benign (2). 1 of the submissions does not count toward it. Last evaluated 2025-06-10.

Conditions:
SERPINB6-related disorder. Also called: SERPINB6-related condition.

Allele frequency attached by ClinVar (database versions not stated): gnomAD exomes 0.00004 and 0.00006; ExAC 0.00008; gnomAD 0.00018 and 0.00019; TOPMed 0.00028; ESP Exome Variant Server 0.00031; 1000 Genomes Project 30x 0.00078; 1000 Genomes Project 0.00080.

Submissions (3):

Labcorp Genetics (formerly Invitae), Labcorp
Classification: Likely benign. Last evaluated: 2025-06-10. Review status: criteria provided, single submitter. Criteria: Invitae Variant Classification Sherloc (09022015). Collection method: clinical testing. Allele origin: germline.

Blueprint Genetics
Classification: Likely benign. Last evaluated: 2022-10-01. Review status: criteria provided, single submitter. Criteria: ACMG Guidelines, 2015. Collection method: clinical testing. Allele origin: germline.

PreventionGenetics, part of Exact Sciences
Classification: Likely benign for SERPINB6-related condition. Last evaluated: 2019-11-26. Review status: no assertion criteria provided. Collection method: clinical testing. Allele origin: germline. Not counted in ClinVar's aggregate classification.
Comment: This variant is classified as likely benign based on ACMG/AMP sequence variant interpretation guidelines (Richards et al. 2015 PMID: 25741868, with internal and published modifications).

NM_004568.6(SERPINB6):c.12C>T (p.Leu4=)

Gene: SERPINB6 (serpin family B member 6; minus strand). Cytogenetic location: 6p25.2.
Variant type: single nucleotide variant.
Coding change: c.12C>T on transcript NM_004568.6 (MANE Select); coding-DNA position 12, C replaced by T.
Protein change: p.Leu4=; no amino-acid change (leucine 4 retained).
Molecular consequence: synonymous variant. On other transcripts: non-coding transcript variant (1), intron variant (1).
Genome position (GRCh38, 1-based): chr6:2,959,321, G>A on the plus strand (C>T on the coding strand, the complement: SERPINB6 is on the minus strand). VCF-style: chr6-2959321-G-A. GRCh37 (hg19) VCF-style: chr6-2959555-G-A.
Other names: c.24C>T, p.Leu8= (NM_001195291.3, NM_001374515.1); c.54C>T, p.Leu18= (NM_001271822.2); c.69C>T, p.Leu23= (NM_001271823.2); c.12C>T, p.Leu4= (NM_001271824.2, NM_001271825.2, NM_001297699.2 and 2 more transcripts); c.34-3651C>T (NM_001374517.1).
Identifiers: ClinVar variation 729674 (VCV000729674.7), dbSNP rs144857274, ClinGen allele CA3617676.